The following is an entry in ClinVar:

NM_032444.4(SLX4):c.1123A>C (p.Thr375Pro)

Gene: SLX4 (SLX4 structure-specific endonuclease subunit; minus strand). Cytogenetic location: 16p13.3.
Variant type: single nucleotide variant.
Coding change: c.1123A>C on transcript NM_032444.4 (MANE Select); coding-DNA position 1123, A replaced by C.
Protein change: p.Thr375Pro; replaces threonine 375 with proline.
Molecular consequence: missense variant.
Genome position (GRCh38, 1-based): chr16:3,601,019, T>G on the plus strand (A>C on the coding strand, the complement: SLX4 is on the minus strand). VCF-style: chr16-3601019-T-G. GRCh37 (hg19) VCF-style: chr16-3651020-T-G.
Other names: short protein forms T375P.
Identifiers: ClinVar variation 1691994 (VCV001691994.1), dbSNP rs2151133974, ClinGen allele CA394531406.
Genomic context (GRCh38, chr16:3,601,019, plus strand): 5'-CTTCCTTTTCGTCGACTTACCTGAACATGGGTGGGCTGCTGCTACCCTCAGGCTGTGCTG[T>G]CTGCAGCCGCACAGCCTGAAGCAGGAGCTGGGGGCCAACCTCCATCTTCACAGCACACTG-3'
Protein context (NP_115820.2, residues 365-385): QLLLQAVRLQ[Thr375Pro]AQPEGSSSPP

ClinVar aggregate classification (germline): Uncertain significance (1 of 4 stars; one submission).

Conditions:
Fanconi anemia (FA). Also called: Fanconi's anemia. Identifiers: Orphanet 84, MedGen C0015625, MeSH D005199, MONDO:0019391.

Submission:

Sema4
Classification: Uncertain significance for Fanconi anemia. Last evaluated: 2022-01-25. Review status: criteria provided, single submitter. Criteria: Sema4 Curation Guidelines. Collection method: curation. Allele origin: germline.
Comment: To the best of our knowledge, the SLX4 c.1123A>C (p.T375P) variant has not been reported in individuals with SLX4-related disease. This variant was not observed in the large and broad cohorts of the Genome Aggregation Database (PMID: 32461654). This variant has not been reported in ClinVar. Functional studies have not been performed, and in silico predictions of the variant's effect on protein function are inconclusive. The evidence is insufficient to meet ACMG/AMP criteria for classifying the variant as benign or pathogenic. Thus, the clinical significance of this variant is currently uncertain.